The following is an entry in ClinVar:

NM_153717.3(EVC):c.393del (p.Asp132fs)

Gene: EVC (EvC ciliary complex subunit 1; plus strand). Cytogenetic location: 4p16.2.
Variant type: Deletion.
Coding change: c.393del on transcript NM_153717.3 (MANE Select); coding-DNA position 393, one base deleted (C; older notation c.393delC).
Protein change: p.Asp132fs; shifts the reading frame from aspartic acid 132.
Molecular consequence: frameshift variant.
Genome position (GRCh38, 1-based): chr4:5,731,433, C deleted; the last of 2 consecutive C bases (chr4:5,731,432-5,731,433); deleting either gives the same sequence. VCF-style (leftmost placement, unchanged base first): chr4-5731431-GC-G. GRCh37 (hg19) VCF-style: chr4-5733158-GC-G.
Other names: c.393del, p.Asp132fs (NM_001306090.2, NM_001306092.2); c.393delC (NM_153717.3); short protein forms D132fs.
Identifiers: ClinVar variation 623655 (VCV000623655.10), dbSNP rs1437174284, ClinGen allele CA796587895.

ClinVar aggregate classification (germline): Pathogenic/Likely pathogenic. Review status: criteria provided, multiple submitters, no conflicts (2 of 4 stars). 3 submissions from 3 submitters: Pathogenic (2); Likely pathogenic (1). Last evaluated 2024-04-09.

Conditions:
Curry-Hall syndrome (WAD). Also called: WEYERS ACRODENTAL DYSOSTOSIS. Identifiers: Orphanet 952, MedGen C0457013, MONDO:0008673, OMIM 193530.
Ellis-van Creveld syndrome (EVC). Also called: EVC-Related Ellis-van Creveld Syndrome; EVC2-Related Ellis-van Creveld Syndrome; MESOECTODERMAL DYSPLASIA; Chondroectodermal dysplasia. Identifiers: Orphanet 289, MedGen C0013903, MONDO:0009162, OMIM 225500.

Submissions (3):

Natera, Inc.
Classification: Pathogenic for Ellis-van Creveld syndrome. Last evaluated: 2024-04-09. Review status: criteria provided, single submitter. Criteria: Natera Variant Classification Schema (03/2026). Collection method: clinical testing. Allele origin: germline.
Comment: The c.393delC variant in EVC is a frameshift variant predicted to shift the reading frame beginning at codon 132 and leads to a stop codon 12 codons downstream. This variant is expected to result in nonsense mediated decay, truncation, or a dysfunctional protein product. This variant is rare in the general population with a frequency below the threshold expected for the associated phenotype(s). This variant has been observed in one or more individuals affected with the associated recessive disease, as either homozygous or compound heterozygous with a second variant (PMID: 34930662). Given the available evidence, this variant is classified as Pathogenic.

Labcorp Genetics (formerly Invitae), Labcorp
Classification: Pathogenic for Curry-Hall syndrome; Ellis-van Creveld syndrome. Last evaluated: 2023-02-13. Review status: criteria provided, single submitter. Criteria: Invitae Variant Classification Sherloc (09022015). Collection method: clinical testing. Allele origin: germline.
Comment: This sequence change creates a premature translational stop signal (p.Asp132Metfs*12) in the EVC gene. It is expected to result in an absent or disrupted protein product. Loss-of-function variants in EVC are known to be pathogenic (PMID: 23220543). This variant is not present in population databases (gnomAD no frequency). This variant has not been reported in the literature in individuals affected with EVC-related conditions. ClinVar contains an entry for this variant (Variation ID: 623655). For these reasons, this variant has been classified as Pathogenic.

HudsonAlpha Institute for Biotechnology
Classification: Likely pathogenic for Ellis-van Creveld syndrome. Last evaluated: 2018-08-24. Review status: criteria provided, single submitter. Criteria: ACMG Guidelines, 2015. Collection method: research. Allele origin: unknown. Affected: yes. Observed: 1 variant allele. Study: CSER-SouthSeq.
Comment: ACMG codes: PVS1, PM2

Literature cited by the submitters: PubMed 34930662 (cited by Natera, Inc.); PubMed 23220543 (cited by Labcorp Genetics (formerly Invitae), Labcorp).